The following is an entry in ClinVar:

NM_004104.5(FASN):c.1680+4G>C

Gene: FASN (fatty acid synthase; minus strand). Cytogenetic location: 17q25.3.
Variant type: single nucleotide variant.
Coding change: c.1680+4G>C on transcript NM_004104.5 (MANE Select); 4 bases into the intron after coding-DNA position 1680, G replaced by C.
Molecular consequence: intron variant.
Genome position (GRCh38, 1-based): chr17:82,090,878, C>G on the plus strand (G>C on the coding strand, the complement: FASN is on the minus strand). VCF-style: chr17-82090878-C-G. GRCh37 (hg19) VCF-style: chr17-80048754-C-G.
Identifiers: ClinVar variation 858823 (VCV000858823.9), dbSNP rs760777708, ClinGen allele CA8853075.

ClinVar aggregate classification (germline): Uncertain significance (1 of 4 stars; one submission).

Conditions:
Epileptic encephalopathy. Identifiers: MedGen C0543888, HP:0200134.

Allele frequency attached by ClinVar (database versions not stated): gnomAD 0.00002; gnomAD exomes 0.00002; TOPMed 0.00007; ExAC below 0.00001.
gnomAD v4.1: 28 of 1,578,664 alleles (0.0018%); highest among the groups gnomAD compares: Middle Eastern, 0.033%; no homozygotes.

Submission:

Labcorp Genetics (formerly Invitae), Labcorp
Classification: Uncertain significance for Epileptic encephalopathy. Last evaluated: 2024-10-22. Review status: criteria provided, single submitter. Criteria: Invitae Variant Classification Sherloc (09022015). Collection method: clinical testing. Allele origin: germline.
Comment: This sequence change falls in intron 10 of the FASN gene. It does not directly change the encoded amino acid sequence of the FASN protein. It affects a nucleotide within the consensus splice site. This variant is present in population databases (rs760777708, gnomAD 0.004%). This variant has not been reported in the literature in individuals affected with FASN-related conditions. ClinVar contains an entry for this variant (Variation ID: 858823). Variants that disrupt the consensus splice site are a relatively common cause of aberrant splicing (PMID: 17576681, 9536098). Algorithms developed to predict the effect of sequence changes on RNA splicing suggest that this variant is not likely to affect RNA splicing. In summary, the available evidence is currently insufficient to determine the role of this variant in disease. Therefore, it has been classified as a Variant of Uncertain Significance.

Literature cited by the submitters: PubMed 17576681; PubMed 9536098.